The following is an entry in ClinVar:

ClinVar aggregate classification (germline): Uncertain significance (1 of 4 stars; one submission).

Submission:

GeneDx
Classification: Uncertain significance. Last evaluated: 2025-03-04. Review status: criteria provided, single submitter. Criteria: GeneDx Variant Classification Process June 2021. Collection method: clinical testing. Allele origin: germline. Affected: yes.
Comment: Not observed at significant frequency in large population cohorts (gnomAD); In silico analysis indicates that this missense variant does not alter protein structure/function; Has not been previously published as pathogenic or benign to our knowledge

NM_002641.4(PIGA):c.1115C>T (p.Pro372Leu)

Gene: PIGA (phosphatidylinositol glycan anchor biosynthesis class A; minus strand). Cytogenetic location: Xp22.2.
Variant type: single nucleotide variant.
Coding change: c.1115C>T on transcript NM_002641.4 (MANE Select); coding-DNA position 1115, C replaced by T.
Protein change: p.Pro372Leu; replaces proline 372 with leucine.
Molecular consequence: missense variant. On other transcripts: non-coding transcript variant (4).
Genome position (GRCh38, 1-based): chrX:15,324,738, G>A on the plus strand (C>T on the coding strand, the complement: PIGA is on the minus strand). VCF-style: chrX-15324738-G-A. GRCh37 (hg19) VCF-style: chrX-15342860-G-A.
Other names: c.1208C>T, p.Pro403Leu (NM_001440789.1); c.506C>T, p.Pro169Leu (NM_001440790.1); c.413C>T, p.Pro138Leu (NM_020473.3); short protein forms P138L, P169L, P372L, P403L.
Identifiers: ClinVar variation 4082703 (VCV004082703.1).